The following is an entry in ClinVar:

ClinVar aggregate classification (germline): Pathogenic (1 of 4 stars; one submission).

Conditions:
Monocytopenia with susceptibility to infections. Also called: MONOCYTOPENIA AND MYCOBACTERIAL INFECTION SYNDROME; MONOCYTOPENIA WITH SUSCEPTIBILITY TO MYCOBACTERIAL, FUNGAL, AND PAPILLOMAVIRUS INFECTIONS AND MYELODYSPLASIA; COMBINED IMMUNODEFICIENCY WITH SUSCEPTIBILITY TO MYCOBACTERIAL, VIRAL, AND FUNGAL INFECTIONS; Dendritic cell, monocyte, B lymphocyte, and natural killer lymphocyte deficiency; IMMUNODEFICIENCY 21; GATA2 DEFICIENCY. Identifiers: Orphanet 228423, MedGen C3280030, MONDO:0013607, OMIM 614172.
Deafness-lymphedema-leukemia syndrome. Also called: Lymphedema, primary, with myelodysplasia; Emberger syndrome. Identifiers: Orphanet 3226, MedGen C3279664, MONDO:0013540, OMIM 614038.

Submission:

Labcorp Genetics (formerly Invitae), Labcorp
Classification: Pathogenic for Monocytopenia with susceptibility to infections; Deafness-lymphedema-leukemia syndrome. Last evaluated: 2023-09-27. Review status: criteria provided, single submitter. Criteria: Invitae Variant Classification Sherloc (09022015). Collection method: clinical testing. Allele origin: germline.
Comment: This sequence change creates a premature translational stop signal (p.Thr176Argfs*42) in the GATA2 gene. It is expected to result in an absent or disrupted protein product. Loss-of-function variants in GATA2 are known to be pathogenic (PMID: 21670465, 23223431). This variant is not present in population databases (gnomAD no frequency). This variant has not been reported in the literature in individuals affected with GATA2-related conditions. For these reasons, this variant has been classified as Pathogenic.

Literature cited by the submitters: PubMed 21670465; PubMed 23223431.

NM_032638.5(GATA2):c.522del (p.Thr176fs)

Gene: GATA2 (GATA binding protein 2; minus strand). Cytogenetic location: 3q21.3.
Variant type: Deletion.
Coding change: c.522del on transcript NM_032638.5 (MANE Select); coding-DNA position 522, one base deleted (A; older notation c.522delA).
Protein change: p.Thr176fs; shifts the reading frame from threonine 176.
Molecular consequence: frameshift variant.
Genome position (GRCh38, 1-based): chr3:128,486,076, T deleted on the plus strand (A on the coding strand, the reverse complement: GATA2 is on the minus strand). VCF-style (leftmost placement, unchanged base first): chr3-128486075-GT-G. GRCh37 (hg19) VCF-style: chr3-128204918-GT-G.
Other names: c.522del, p.Thr176fs (NM_001145661.2, NM_001145662.1); short protein forms T176fs.
Identifiers: ClinVar variation 2952304 (VCV002952304.3), dbSNP rs2472931166, ClinGen allele CA2740090993.